The following is an entry in ClinVar:

ClinVar aggregate classification (germline): Likely benign (1 of 4 stars; one submission).

Submission:

GeneDx
Classification: Likely benign. Last evaluated: 2017-11-29. Review status: criteria provided, single submitter. Criteria: GeneDx Variant Classification (06012015). Collection method: clinical testing. Allele origin: germline. Affected: yes.
Comment: This variant is considered likely benign or benign based on one or more of the following criteria: it is a conservative change, it occurs at a poorly conserved position in the protein, it is predicted to be benign by multiple in silico algorithms, and/or has population frequency not consistent with disease.

NM_014141.6(CNTNAP2):c.2384-16dup

Gene: CNTNAP2 (contactin associated protein 2; plus strand). Cytogenetic location: 7q35.
Variant type: Duplication.
Coding change: c.2384-16dup on transcript NM_014141.6 (MANE Select); 16 bases into the intron before coding-DNA position 2384, one base duplicated (T; older notation c.2384-16dupT).
Molecular consequence: intron variant.
Genome position (GRCh38, 1-based): chr7:148,118,102, T duplicated; the last of 7 consecutive T bases (chr7:148,118,096-148,118,102); duplicating any one gives the same sequence. VCF-style (leftmost placement, unchanged base first): chr7-148118095-A-AT. GRCh37 (hg19) VCF-style: chr7-147815187-A-AT.
Other names: c.2384-16dupT (NM_014141.5).
Identifiers: ClinVar variation 509381 (VCV000509381.1), dbSNP rs756290919, ClinGen allele CA4546392.